The following is an entry in ClinVar:

ClinVar aggregate classification (germline): Likely benign. Review status: criteria provided, multiple submitters, no conflicts (2 of 4 stars). 3 submissions from 3 submitters: Likely benign (2). 1 of the submissions does not count toward it. Last evaluated 2026-01-19.

Conditions:
PRKDC-related disorder. Also called: PRKDC-related condition.
Severe combined immunodeficiency due to DNA-PKcs deficiency. Also called: IMMUNODEFICIENCY 26 WITH NEUROLOGIC ABNORMALITIES; Immunodeficiency 26 with or without neurologic abnormalities. Identifiers: Orphanet 317425, MedGen C4014833, MONDO:0014423, OMIM 615966.

Allele frequency attached by ClinVar (database versions not stated): gnomAD exomes below 0.00001; TOPMed 0.00002; gnomAD 0.00004 and 0.00005.
gnomAD v4.1: 10 of 1,565,168 alleles (0.00064%); highest among the groups gnomAD compares: Middle Eastern, 0.017%; no homozygotes.

Submissions (3):

Labcorp Genetics (formerly Invitae), Labcorp
Classification: Likely benign for Severe combined immunodeficiency due to DNA-PKcs deficiency. Last evaluated: 2026-01-19. Review status: criteria provided, single submitter. Criteria: Invitae Variant Classification Sherloc (09022015). Collection method: clinical testing. Allele origin: germline.

Ambry Genetics
Classification: Likely benign. Last evaluated: 2022-09-12. Review status: criteria provided, single submitter. Criteria: Ambry Variant Classification Scheme 2023. Collection method: clinical testing. Allele origin: germline.

PreventionGenetics, part of Exact Sciences
Classification: Likely benign for PRKDC-related condition. Last evaluated: 2019-02-27. Review status: no assertion criteria provided. Collection method: clinical testing. Allele origin: germline. Not counted in ClinVar's aggregate classification.
Comment: This variant is classified as likely benign based on ACMG/AMP sequence variant interpretation guidelines (Richards et al. 2015 PMID: 25741868, with internal and published modifications).

NM_006904.7(PRKDC):c.3264A>G (p.Glu1088=)

Gene: PRKDC (protein kinase, DNA-activated, catalytic subunit; minus strand). Cytogenetic location: 8q11.21.
Variant type: single nucleotide variant.
Coding change: c.3264A>G on transcript NM_006904.7 (MANE Select); coding-DNA position 3264, A replaced by G.
Protein change: p.Glu1088=; no amino-acid change (glutamic acid 1088 retained).
Molecular consequence: synonymous variant.
Genome position (GRCh38, 1-based): chr8:47,902,574, T>C on the plus strand (A>G on the coding strand, the complement: PRKDC is on the minus strand). VCF-style: chr8-47902574-T-C. GRCh37 (hg19) VCF-style: chr8-48815134-T-C.
Other names: c.3264A>G, p.Glu1088= (NM_001081640.2).
Identifiers: ClinVar variation 1161475 (VCV001161475.13), dbSNP rs866967844, ClinGen allele CA176154146.